The following is an entry in ClinVar:

ClinVar aggregate classification (germline): Uncertain significance (1 of 4 stars; one submission).

gnomAD v4.1: 1 of 1,565,590 alleles (0.000064%); highest among the groups gnomAD compares: Non-Finnish European, 0.000087%; no homozygotes.

Submission:

Labcorp Genetics (formerly Invitae), Labcorp
Classification: Uncertain significance. Last evaluated: 2024-03-20. Review status: criteria provided, single submitter. Criteria: Invitae Variant Classification Sherloc (09022015). Collection method: clinical testing. Allele origin: germline.
Comment: This sequence change replaces serine, which is neutral and polar, with proline, which is neutral and non-polar, at codon 812 of the COL11A2 protein (p.Ser812Pro). The frequency data for this variant in the population databases is considered unreliable, as metrics indicate poor data quality at this position in the gnomAD database. This variant has not been reported in the literature in individuals affected with COL11A2-related conditions. Advanced modeling of protein sequence and biophysical properties (such as structural, functional, and spatial information, amino acid conservation, physicochemical variation, residue mobility, and thermodynamic stability) performed at Invitae indicates that this missense variant is not expected to disrupt COL11A2 protein function with a negative predictive value of 95%. In summary, the available evidence is currently insufficient to determine the role of this variant in disease. Therefore, it has been classified as a Variant of Uncertain Significance.

NM_080680.3(COL11A2):c.2434T>C (p.Ser812Pro)

Gene: COL11A2 (collagen type XI alpha 2 chain; minus strand). Cytogenetic location: 6p21.32.
Variant type: single nucleotide variant.
Coding change: c.2434T>C on transcript NM_080680.3 (MANE Select); coding-DNA position 2434, T replaced by C.
Protein change: p.Ser812Pro; replaces serine 812 with proline.
Molecular consequence: missense variant.
Genome position (GRCh38, 1-based): chr6:33,174,215, A>G on the plus strand (T>C on the coding strand, the complement: COL11A2 is on the minus strand). VCF-style: chr6-33174215-A-G. GRCh37 (hg19) VCF-style: chr6-33141992-A-G.
Other names: c.2254T>C, p.Ser752Pro (NM_001424108.1); c.1588T>C, p.Ser530Pro (NM_001424109.1); c.1408T>C, p.Ser470Pro (NM_001424110.1, NM_001424111.1); c.388T>C, p.Ser130Pro (NM_001424112.1); c.2113T>C, p.Ser705Pro (NM_080679.3); c.2176T>C, p.Ser726Pro (NM_080681.3); short protein forms S530P, S130P, S705P, S812P, S470P, S726P, S752P.
Identifiers: ClinVar variation 3631252 (VCV003631252.2).